The following is an entry in ClinVar:

NM_001754.5(RUNX1):c.1301A>G (p.Asn434Ser)

Gene: RUNX1 (RUNX family transcription factor 1; minus strand). Cytogenetic location: 21q22.12.
Variant type: single nucleotide variant.
Coding change: c.1301A>G on transcript NM_001754.5 (MANE Select); coding-DNA position 1301, A replaced by G.
Protein change: p.Asn434Ser; replaces asparagine 434 with serine.
Molecular consequence: missense variant.
Genome position (GRCh38, 1-based): chr21:34,792,277, T>C on the plus strand (A>G on the coding strand, the complement: RUNX1 is on the minus strand). VCF-style: chr21-34792277-T-C. GRCh37 (hg19) VCF-style: chr21-36164574-T-C.
Other names: NM_001754.5(RUNX1):c.1301A>G; p.Asn434Ser; c.1220A>G, p.Asn407Ser (NM_001001890.3); short protein forms N434S, N407S.
Identifiers: ClinVar variation 532660 (VCV000532660.13), dbSNP rs748885850, ClinGen allele CA10014187.

ClinVar aggregate classification (germline): Uncertain significance. Review status: reviewed by expert panel (3 of 4 stars). 4 submissions from 4 submitters: Uncertain significance (1). 3 of the submissions do not count toward it. Last evaluated 2024-10-29.

Conditions:
Hereditary thrombocytopenia and hematologic cancer predisposition syndrome. Identifiers: Orphanet 71290, MedGen CN281654, MONDO:0011071.
Inborn genetic diseases. Identifiers: MedGen C0950123, MeSH D030342.
Acute myeloid leukemia (AML). Also called: Leukemia, acute myeloid, somatic; Leukemia, acute myelogenous, somatic; Acute myeloid leukemia, adult; AML adult; Acute non-lymphocytic leukemia; Acute granulocytic leukemia. Identifiers: Orphanet 519, MedGen C0023467, MeSH D015470, MONDO:0018874, OMIM 601626, HP:0004808. Disease mechanism: Constitutively activated FLT3.
Hereditary thrombocytopenia and hematological cancer predisposition syndrome associated with RUNX1. Also called: PLATELET DISORDER, ASPIRIN-LIKE; Familial thrombocytopenia with propensity to acute myelogenous leukemia; Familial Platelet Disorder with Propensity to Acute Myelogenous Leukemia; RUNX1 Familial Platelet Disorder with Associated Myeloid Malignancies. Identifiers: Orphanet 71290, MedGen C1832388, MeSH C563324, MONDO:0100083, OMIM 601399.

Allele frequency attached by ClinVar (database versions not stated): gnomAD exomes 0.00001 and below 0.00001; ExAC below 0.00001.
gnomAD v4.1: 3 of 1,540,880 alleles (0.00019%); highest among the groups gnomAD compares: Non-Finnish European, 0.00026%; no homozygotes.

Submissions (4):

ClinGen Myeloid Malignancy Variant Curation Expert Panel
Classification: Uncertain significance for Hereditary thrombocytopenia and hematologic cancer predisposition syndrome. Last evaluated: 2024-10-29. Review status: reviewed by expert panel. Criteria: ClinGen MyeloMalig ACMG Specifications v2. Collection method: curation. Allele origin: germline. Inheritance: Autosomal dominant inheritance.
Comment: NM_001754.5(RUNX1):c.1301A>G (p.Asn434Ser) is a missense variant which has a REVEL score < 0.50 (0.154) and a SpliceAI score ≤ 0.20 (0.0) (BP4). In summary, the clinical significance of this variant is uncertain. ACMG/AMP criteria applied, as specified by the Myeloid Malignancy Variant Curation Expert Panel for RUNX1: BP4.

Ambry Genetics
Classification: Likely benign for Inborn genetic diseases. Last evaluated: 2025-09-16. Review status: criteria provided, single submitter. Criteria: Ambry Variant Classification Scheme 2023. Collection method: clinical testing. Allele origin: germline. Not counted in ClinVar's aggregate classification.

Labcorp Genetics (formerly Invitae), Labcorp
Classification: Uncertain significance for Hereditary thrombocytopenia and hematological cancer predisposition syndrome associated with RUNX1. Last evaluated: 2024-02-11. Review status: criteria provided, single submitter. Criteria: Invitae Variant Classification Sherloc (09022015). Collection method: clinical testing. Allele origin: germline. Not counted in ClinVar's aggregate classification.
Comment: This sequence change replaces asparagine, which is neutral and polar, with serine, which is neutral and polar, at codon 434 of the RUNX1 protein (p.Asn434Ser). This variant is present in population databases (rs748885850, gnomAD 0.002%). This variant has not been reported in the literature in individuals affected with RUNX1-related conditions. ClinVar contains an entry for this variant (Variation ID: 532660). Advanced modeling of protein sequence and biophysical properties (such as structural, functional, and spatial information, amino acid conservation, physicochemical variation, residue mobility, and thermodynamic stability) performed at Invitae indicates that this missense variant is not expected to disrupt RUNX1 protein function with a negative predictive value of 80%. In summary, the available evidence is currently insufficient to determine the role of this variant in disease. Therefore, it has been classified as a Variant of Uncertain Significance.

Baylor Genetics
Classification: Uncertain significance for Acute myeloid leukemia. Last evaluated: 2023-12-07. Review status: criteria provided, single submitter. Criteria: ACMG Guidelines, 2015. Collection method: clinical testing. Allele origin: unknown. Not counted in ClinVar's aggregate classification.